The following is an entry in ClinVar:

NM_000535.7(PMS2):c.157A>G (p.Asn53Asp)

Gene: PMS2 (PMS1 homolog 2, mismatch repair system component; minus strand). Cytogenetic location: 7p22.1.
Variant type: single nucleotide variant.
Coding change: c.157A>G on transcript NM_000535.7 (MANE Select); coding-DNA position 157, A replaced by G.
Protein change: p.Asn53Asp; replaces asparagine 53 with aspartic acid.
Molecular consequence: missense variant. On other transcripts: non-coding transcript variant (1), intron variant (3), 5 prime UTR variant (8).
Genome position (GRCh38, 1-based): chr7:6,005,898, T>C on the plus strand (A>G on the coding strand, the complement: PMS2 is on the minus strand). VCF-style: chr7-6005898-T-C. GRCh37 (hg19) VCF-style: chr7-6045529-T-C.
Other names: c.-52-1840A>G (NM_001322008.2); c.-242-1840A>G (NM_001322010.2, NM_001322004.2); c.-249A>G (NM_001322003.2, NM_001322005.2, NM_001322009.2 and 1 more transcripts); c.157A>G, p.Asn53Asp (NM_001322006.2, NM_001322014.2); c.-59A>G (NM_001322007.2); c.-728A>G (NM_001322011.2, NM_001322012.2); c.-328A>G (NM_001322015.2); short protein forms N53D.
Identifiers: ClinVar variation 525801 (VCV000525801.14), dbSNP rs1554306309, ClinGen allele CA366744957.

ClinVar aggregate classification (germline): Uncertain significance. Review status: criteria provided, multiple submitters, no conflicts (2 of 4 stars). 4 submissions from 4 submitters: Uncertain significance (4). Last evaluated 2025-04-20.

Conditions:
Hereditary nonpolyposis colorectal neoplasms. Identifiers: MedGen C0009405, MeSH D003123.
Hereditary cancer-predisposing syndrome. Also called: Hereditary neoplastic syndrome; Tumor predisposition; Neoplastic Syndromes, Hereditary; Hereditary Cancer Syndrome. Identifiers: Orphanet 140162, MedGen C0027672, MeSH D009386, MONDO:0015356.

Submissions (4):

Labcorp Genetics (formerly Invitae), Labcorp
Classification: Uncertain significance for Hereditary nonpolyposis colorectal neoplasms. Last evaluated: 2025-04-20. Review status: criteria provided, single submitter. Criteria: Invitae Variant Classification Sherloc (09022015). Collection method: clinical testing. Allele origin: germline.
Comment: This sequence change replaces asparagine, which is neutral and polar, with aspartic acid, which is acidic and polar, at codon 53 of the PMS2 protein (p.Asn53Asp). This variant is not present in population databases (gnomAD no frequency). This variant has not been reported in the literature in individuals affected with PMS2-related conditions. ClinVar contains an entry for this variant (Variation ID: 525801). Invitae Evidence Modeling incorporating data from in vitro experimental studies (internal data) indicates that this missense variant is not expected to disrupt PMS2 function with a negative predictive value of 95%. In summary, the available evidence is currently insufficient to determine the role of this variant in disease. Therefore, it has been classified as a Variant of Uncertain Significance.

Ambry Genetics
Classification: Uncertain significance for Hereditary cancer-predisposing syndrome. Last evaluated: 2024-08-08. Review status: criteria provided, single submitter. Criteria: Ambry Variant Classification Scheme 2023. Collection method: clinical testing. Allele origin: germline.
Comment: The p.N53D variant (also known as c.157A>G), located in coding exon 2 of the PMS2 gene, results from an A to G substitution at nucleotide position 157. The asparagine at codon 53 is replaced by aspartic acid, an amino acid with highly similar properties. This amino acid position is not well conserved in available vertebrate species. In addition, the in silico prediction for this alteration is inconclusive. Based on the available evidence, the clinical significance of this variant remains unclear.

Blueprint Genetics
Classification: Uncertain significance. Last evaluated: 2023-07-10. Review status: criteria provided, single submitter. Criteria: ACMG Guidelines, 2015. Collection method: clinical testing. Allele origin: germline.

Color Diagnostics, LLC DBA Color Health
Classification: Uncertain significance for Hereditary cancer-predisposing syndrome. Last evaluated: 2022-02-16. Review status: criteria provided, single submitter. Criteria: ACMG Guidelines, 2015. Collection method: clinical testing. Allele origin: germline.
Comment: This missense variant replaces asparagine with aspartic acid at codon 53 of the PMS2 protein. Computational prediction suggests that this variant may not impact protein structure and function (internally defined REVEL score threshold <= 0.5, PMID: 27666373). To our knowledge, functional studies have not been reported for this variant. This variant has not been reported in individuals affected with hereditary cancer in the literature. This variant has not been identified in the general population by the Genome Aggregation Database (gnomAD). The available evidence is insufficient to determine the role of this variant in disease conclusively. Therefore, this variant is classified as a Variant of Uncertain Significance.